The following is an entry in ClinVar:

NM_018699.4(PRDM5):c.660G>A (p.Gln220=)

Gene: PRDM5 (PR/SET domain 5; minus strand). Cytogenetic location: 4q27.
Variant type: single nucleotide variant.
Coding change: c.660G>A on transcript NM_018699.4 (MANE Select); coding-DNA position 660, G replaced by A.
Protein change: p.Gln220=; no amino-acid change (glutamine 220 retained).
Molecular consequence: synonymous variant. On other transcripts: intron variant (3).
Genome position (GRCh38, 1-based): chr4:120,816,915, C>T on the plus strand (G>A on the coding strand, the complement: PRDM5 is on the minus strand). VCF-style: chr4-120816915-C-T. GRCh37 (hg19) VCF-style: chr4-121738070-C-T.
Other names: p.Gln220=; c.660G>A, p.Gln220= (NM_001379104.1); c.651-341G>A (NM_001300824.2, NM_001379106.1, NM_001300823.2).
Identifiers: ClinVar variation 347445 (VCV000347445.20), dbSNP rs74320998, ClinGen allele CA3061328.

ClinVar aggregate classification (germline): Benign/Likely benign. Review status: criteria provided, multiple submitters, no conflicts (2 of 4 stars). 7 submissions from 7 submitters: Benign (6); Likely benign (1). Last evaluated 2026-02-04.

Conditions:
Ehlers-Danlos syndrome (EDS). Identifiers: Orphanet 98249, MedGen C0013720, MONDO:0020066.
Cardiovascular phenotype. Identifiers: MedGen CN230736.

Allele frequency attached by ClinVar (database versions not stated): 1000 Genomes Project 0.01018; 1000 Genomes Project 30x 0.01109; gnomAD 0.02307 and 0.02419; TOPMed 0.02383; ESP Exome Variant Server 0.02407; gnomAD exomes 0.02427 and 0.03338; ExAC 0.02449.
gnomAD v4.1: 51,953 of 1,609,688 alleles (3.2%); highest among the groups gnomAD compares: Non-Finnish European, 3.9%; 1,014 homozygotes.

Submissions (7):

Labcorp Genetics (formerly Invitae), Labcorp
Classification: Benign. Last evaluated: 2026-02-04. Review status: criteria provided, single submitter. Criteria: Invitae Variant Classification Sherloc (09022015). Collection method: clinical testing. Allele origin: germline.

Women's Health and Genetics/Laboratory Corporation of America, LabCorp
Classification: Benign. Last evaluated: 2026-01-22. Review status: criteria provided, single submitter. Criteria: LabCorp Variant Classification Summary - May 2015. Collection method: clinical testing. Allele origin: germline.

Mayo Clinic Laboratories, Mayo Clinic
Classification: Benign. Last evaluated: 2023-01-24. Review status: criteria provided, single submitter. Criteria: ACMG Guidelines, 2015. Collection method: clinical testing. Allele origin: germline. Observed: 207 variant alleles.
Comment: BS1, BS2, BP4, BP7

Genome Diagnostics Laboratory, The Hospital for Sick Children
Classification: Benign for Ehlers-Danlos syndrome. Last evaluated: 2022-07-14. Review status: criteria provided, single submitter. Criteria: ACMG Guidelines, 2015. Collection method: clinical testing. Allele origin: germline.

Ambry Genetics
Classification: Benign for Cardiovascular phenotype. Last evaluated: 2018-12-31. Review status: criteria provided, single submitter. Criteria: Ambry Variant Classification Scheme 2023. Collection method: clinical testing. Allele origin: germline.

GeneDx
Classification: Benign. Last evaluated: 2016-10-13. Review status: criteria provided, single submitter. Criteria: GeneDx Variant Classification (06012015). Collection method: clinical testing. Allele origin: germline. Affected: yes.
Comment: This variant is considered likely benign or benign based on one or more of the following criteria: it is a conservative change, it occurs at a poorly conserved position in the protein, it is predicted to be benign by multiple in silico algorithms, and/or has population frequency not consistent with disease.

Breakthrough Genomics
Classification: Likely benign. Review status: criteria provided, single submitter. Criteria: ACMG Guidelines, 2015. Collection method: not provided. Allele origin: germline. Inheritance: Autosomal recessive inheritance. Affected: yes.